The following is an entry in ClinVar:

NM_000051.4(ATM):c.2734C>T (p.Gln912Ter)

Gene: ATM (ATM serine/threonine kinase; plus strand). Cytogenetic location: 11q22.3.
Variant type: single nucleotide variant.
Coding change: c.2734C>T on transcript NM_000051.4 (MANE Select); coding-DNA position 2734, C replaced by T.
Protein change: p.Gln912Ter; replaces glutamine 912 with a stop codon.
Molecular consequence: nonsense.
Genome position (GRCh38, 1-based): chr11:108,268,505, C>T. VCF-style: chr11-108268505-C-T. GRCh37 (hg19) VCF-style: chr11-108139232-C-T.
Other names: c.2734C>T, p.Gln912Ter (NM_001351834.2); short protein forms Q912*.
Identifiers: ClinVar variation 490490 (VCV000490490.14), dbSNP rs764409952, ClinGen allele CA6265104.

ClinVar aggregate classification (germline): Pathogenic. Review status: criteria provided, multiple submitters, no conflicts (2 of 4 stars). 5 submissions from 5 submitters: Pathogenic (5). Last evaluated 2025-06-19.

Conditions:
Hereditary cancer-predisposing syndrome. Also called: Hereditary Cancer Syndrome; Tumor predisposition; Neoplastic Syndromes, Hereditary; Hereditary neoplastic syndrome. Identifiers: Orphanet 140162, MedGen C0027672, MeSH D009386, MONDO:0015356.
Familial cancer of breast. Also called: BREAST CANCER, FAMILIAL; Hereditary breast cancer; hereditary breast carcinoma. Identifiers: Orphanet 227535, MedGen C0346153, MONDO:0016419, OMIM 114480. Disease mechanism: loss of function.
Ataxia-telangiectasia syndrome (AT). Also called: LOUIS-BAR SYNDROME; Ataxia telangiectasia (A-T); Cerebello-oculocutaneous telangiectasia; Immunodeficiency with ataxia telangiectasia; Ataxia-telangiectasia, complementation group E; ATAXIA-TELANGIECTASIA, COMPLEMENTATION GROUP A. Identifiers: Orphanet 100, MedGen C0004135, MONDO:0008840, OMIM 208900.
ATM-related cancer predisposition. Also called: ATM-related cancer susceptibility. Identifiers: MedGen CN377759, MONDO:0700270.

Allele frequency attached by ClinVar (database versions not stated): gnomAD exomes below 0.00001.
gnomAD v4.1: 1 of 1,614,052 alleles (0.000062%); highest among the groups gnomAD compares: Non-Finnish European, 0.000085%; no homozygotes.

Submissions (5):

Dasa
Classification: Pathogenic for ATM-related cancer predisposition. Last evaluated: 2025-06-19. Review status: criteria provided, single submitter. Criteria: DASA Assertion Criteria. Collection method: clinical testing. Allele origin: germline.
Comment: NM_000051.4(ATM):c.2734C>T (p.Gln912*) introduces a premature termination codon predicted to result in loss of normal protein function. Loss-of-function is an established mechanism of disease for this gene. This variant has been observed in affected individuals with ATM-related cancer predisposition in a genotype context consistent with recessive disease (PMID: 26846839; PMID: 15390180). This variant has been recurrently observed in individuals with ATM-related cancer predisposition (PMID: 26846839; PMID: 15390180). The variant is present at low frequency in population datasets. Based on the available data, this variant is classified as pathogenic.

Labcorp Genetics (formerly Invitae), Labcorp
Classification: Pathogenic for Ataxia-telangiectasia syndrome. Last evaluated: 2025-03-20. Review status: criteria provided, single submitter. Criteria: Invitae Variant Classification Sherloc (09022015). Collection method: clinical testing. Allele origin: germline.
Comment: This sequence change creates a premature translational stop signal (p.Gln912*) in the ATM gene. It is expected to result in an absent or disrupted protein product. Loss-of-function variants in ATM are known to be pathogenic (PMID: 23807571, 25614872). This variant is present in population databases (rs764409952, gnomAD 0.0009%). This premature translational stop signal has been observed in individual(s) with ataxia-telangiectasia (PMID: 15390180, 26846839). ClinVar contains an entry for this variant (Variation ID: 490490). For these reasons, this variant has been classified as Pathogenic.

Myriad Genetics, Inc.
Classification: Pathogenic for Familial cancer of breast. Last evaluated: 2024-01-18. Review status: criteria provided, single submitter. Criteria: Myriad Autosomal Dominant, Autosomal Recessive and X-Linked Classification Criteria (2023). Collection method: clinical testing. Allele origin: unknown.
Comment: This variant is considered pathogenic. This variant creates a termination codon and is predicted to result in premature protein truncation.

Ambry Genetics
Classification: Pathogenic for Hereditary cancer-predisposing syndrome. Last evaluated: 2022-07-27. Review status: criteria provided, single submitter. Criteria: Ambry Variant Classification Scheme 2023. Collection method: clinical testing. Allele origin: germline.
Comment: The p.Q912* pathogenic mutation (also known as c.2734C>T), located in coding exon 17 of the ATM gene, results from a C to T substitution at nucleotide position 2734. This changes the amino acid from a glutamine to a stop codon within coding exon 17. This alteration has been identified in an individual diagnosed with ataxia telangiectasia (Cordier JF et al. Eur Respir J, 2016 Mar;47:997-1000). This variant is considered to be rare based on population cohorts in the Genome Aggregation Database (gnomAD). In addition to the clinical data presented in the literature, this alteration is expected to result in loss of function by premature protein truncation or nonsense-mediated mRNA decay. As such, this alteration is interpreted as a disease-causing mutation.

Color Diagnostics, LLC DBA Color Health
Classification: Pathogenic for Hereditary cancer-predisposing syndrome. Last evaluated: 2020-05-19. Review status: criteria provided, single submitter. Criteria: ACMG Guidelines, 2015. Collection method: clinical testing. Allele origin: germline.
Comment: This variant changes 1 nucleotide in exon 18 of the ATM gene, creating a premature translation stop signal. This variant is expected to result in an absent or non-functional protein product. To our knowledge, functional studies have not been reported for this variant. This variant has been reported in an individual affected with ataxia telangiectasia in the compound heterozygous state (PMID: 26846839) and observed in individuals with breast cancer or pancreatic cancer (PMID: 23547987, 29922827). This variant has been identified in 1/251410 chromosomes in the general population by the Genome Aggregation Database (gnomAD). Loss of ATM function is a known mechanism of disease. Based on the available evidence, this variant is classified as Pathogenic.

Literature cited by the submitters: PubMed 26846839 (cited by 3 submitters); PubMed 15390180 (cited by Dasa and Labcorp Genetics (formerly Invitae), Labcorp); PubMed 23807571 (cited by Labcorp Genetics (formerly Invitae), Labcorp); PubMed 25614872 (cited by Labcorp Genetics (formerly Invitae), Labcorp).